The following is an entry in ClinVar:

NM_001195518.2(MICU1):c.307C>T (p.Arg103Cys)

Gene: MICU1 (mitochondrial calcium uptake 1; minus strand). Cytogenetic location: 10q22.1.
Variant type: single nucleotide variant.
Coding change: c.307C>T on transcript NM_001195518.2 (MANE Select); coding-DNA position 307, C replaced by T.
Protein change: p.Arg103Cys; replaces arginine 103 with cysteine.
Molecular consequence: missense variant.
Genome position (GRCh38, 1-based): chr10:72,562,918, G>A on the plus strand (C>T on the coding strand, the complement: MICU1 is on the minus strand). VCF-style: chr10-72562918-G-A. GRCh37 (hg19) VCF-style: chr10-74322676-G-A.
Other names: p.Arg103Cys; c.307C>T, p.Arg103Cys (NM_001363513.2, NM_006077.4); short protein forms R103C.
Identifiers: ClinVar variation 783576 (VCV000783576.12), dbSNP rs34766476, ClinGen allele CA5550307.

ClinVar aggregate classification (germline): Benign. Review status: criteria provided, multiple submitters, no conflicts (2 of 4 stars). 3 submissions from 3 submitters: Benign (3). Last evaluated 2026-01-26.

Allele frequency attached by ClinVar (database versions not stated): gnomAD exomes 0.00039 and 0.00113; ExAC 0.00149; ESP Exome Variant Server 0.00439; gnomAD 0.00450 and 0.00472; TOPMed 0.00473; 1000 Genomes Project 0.00699; 1000 Genomes Project 30x 0.00750.
gnomAD v4.1: 1,279 of 1,597,542 alleles (0.08%); highest among the groups gnomAD compares: African/African-American, 1.5%; 5 homozygotes.

Submissions (3):

Labcorp Genetics (formerly Invitae), Labcorp
Classification: Benign. Last evaluated: 2026-01-26. Review status: criteria provided, single submitter. Criteria: Invitae Variant Classification Sherloc (09022015). Collection method: clinical testing. Allele origin: germline.

Mayo Clinic Laboratories, Mayo Clinic
Classification: Benign. Last evaluated: 2025-02-06. Review status: criteria provided, single submitter. Criteria: ACMG Guidelines, 2015. Collection method: clinical testing. Allele origin: germline. Observed: 4 variant alleles.
Comment: BA1

GeneDx
Classification: Benign. Last evaluated: 2020-02-27. Review status: criteria provided, single submitter. Criteria: GeneDx Variant Classification Process June 2021. Collection method: clinical testing. Allele origin: germline. Affected: yes.